The following is an entry in ClinVar:

ClinVar aggregate classification (germline): Uncertain significance. Review status: criteria provided, multiple submitters, no conflicts (2 of 4 stars). 2 submissions from 2 submitters: Uncertain significance (2). Last evaluated 2025-07-30.

Conditions:
Joubert syndrome. Also called: CEREBELLOPARENCHYMAL DISORDER IV; JOUBERT-BOLTSHAUSER SYNDROME; Familial aplasia of the vermis. Identifiers: Orphanet 475, MedGen C5979921, MONDO:0018772.
Orofaciodigital syndrome I (OFD1). Also called: OFDS I; Papillon-Leage and Psaume Syndrome; Oral-Facial-Digital Syndrome Type I. Identifiers: Orphanet 2750, MedGen C1510460, MONDO:0010702, OMIM 311200.
Simpson-Golabi-Behmel syndrome type 2. Identifiers: Orphanet 79022, MedGen C1846175, MONDO:0010265, OMIM 300209.
Joubert syndrome 10 (JBTS10). Identifiers: Orphanet 2754, MedGen C2749019, MONDO:0010431, OMIM 300804.
Retinitis pigmentosa 23 (RP23). Identifiers: Orphanet 791, MedGen C1419610, MONDO:0010320, OMIM 300424.

Submissions (2):

Labcorp Genetics (formerly Invitae), Labcorp
Classification: Uncertain significance for Orofaciodigital syndrome I; Joubert syndrome. Last evaluated: 2025-07-30. Review status: criteria provided, single submitter. Criteria: Invitae Variant Classification Sherloc (09022015). Collection method: clinical testing. Allele origin: germline.
Comment: This variant, c.1182_1184del, results in the deletion of 1 amino acid(s) of the OFD1 protein (p.Glu395del), but otherwise preserves the integrity of the reading frame. This variant is not present in population databases (gnomAD no frequency). This variant has not been reported in the literature in individuals affected with OFD1-related conditions. Experimental studies and prediction algorithms are not available or were not evaluated, and the functional significance of this variant is currently unknown. In summary, the available evidence is currently insufficient to determine the role of this variant in disease. Therefore, it has been classified as a Variant of Uncertain Significance.

Fulgent Genetics
Classification: Uncertain significance for Simpson-Golabi-Behmel syndrome type 2; Retinitis pigmentosa 23; Joubert syndrome 10; Orofaciodigital syndrome I. Last evaluated: 2024-05-24. Review status: criteria provided, single submitter. Criteria: ACMG Guidelines, 2015. Collection method: clinical testing. Allele origin: germline.

NM_003611.3(OFD1):c.1179GGA[1] (p.Glu395del)

Gene: OFD1 (OFD1 centriole and centriolar satellite protein; plus strand). Cytogenetic location: Xp22.2.
Variant type: Microsatellite.
Coding change: c.1179GGA[1] on transcript NM_003611.3 (MANE Select); one copy of the 3-base unit GGA starting at c.1179; the reference has two copies in a row; one copy, 3 bases deleted; also written c.1182_1184del.
Protein change: p.Glu395del; deletes glutamic acid 395.
Genome position (GRCh38, 1-based): chrX:13,755,203-13,755,205, GGA deleted; deleting any 3 consecutive bases within chrX:13,755,199-13,755,205 gives the same sequence; the position shown is the placement nearest the transcript's 3' end. VCF-style (leftmost placement, unchanged base first): chrX-13755198-AAGG-A. GRCh37 (hg19) VCF-style: chrX-13773317-AAGG-A.
Other names: c.1059GGA[1], p.Glu355del (NM_001330209.2); c.759GGA[1], p.Glu255del (NM_001330210.2); c.1182_1184del (NM_003611.3); short protein forms E355del, E255del, E395del.
Identifiers: ClinVar variation 3598073 (VCV003598073.2).
Genomic context (GRCh38, chrX:13,755,198, plus strand): 5'-GCTCTTTTTTCAGAAAAAGCTGTTCATTTGCAAGAGGAGCTCATAGCTATTAATTCAAAA[AAGG>A]AGGAACTCAATCAATCTGTAAATCGTGTGAAAGAACTTGAGGTAATTGTTAAGCATGTTG-3'